The following is an entry in ClinVar:

ClinVar aggregate classification (germline): Uncertain significance (1 of 4 stars; one submission).

Conditions:
Combined immunodeficiency due to LRBA deficiency. Also called: Common variable immunodeficiency 8, with autoimmunity. Identifiers: Orphanet 445018, MedGen C3553512, MONDO:0013863, OMIM 614700.

Allele frequency attached by ClinVar (database versions not stated): gnomAD exomes below 0.00001.
gnomAD v4.1: 2 of 1,613,558 alleles (0.00012%); highest among the groups gnomAD compares: South Asian, 0.0022%; no homozygotes.

Submission:

Labcorp Genetics (formerly Invitae), Labcorp
Classification: Uncertain significance for Combined immunodeficiency due to LRBA deficiency. Last evaluated: 2022-07-03. Review status: criteria provided, single submitter. Criteria: Invitae Variant Classification Sherloc (09022015). Collection method: clinical testing. Allele origin: germline.
Comment: This variant has not been reported in the literature in individuals affected with LRBA-related conditions. This variant is not present in population databases (gnomAD no frequency). This sequence change replaces isoleucine, which is neutral and non-polar, with valine, which is neutral and non-polar, at codon 2845 of the LRBA protein (p.Ile2845Val). Algorithms developed to predict the effect of missense changes on protein structure and function are either unavailable or do not agree on the potential impact of this missense change (SIFT: "Tolerated"; PolyPhen-2: "Probably Damaging"; Align-GVGD: "Class C0"). In summary, the available evidence is currently insufficient to determine the role of this variant in disease. Therefore, it has been classified as a Variant of Uncertain Significance.

NM_001364905.1(LRBA):c.8500A>G (p.Ile2834Val)

Gene: LRBA (LPS responsive beige-like anchor protein; minus strand). Cytogenetic location: 4q31.3.
Variant type: single nucleotide variant.
Coding change: c.8500A>G on transcript NM_001364905.1 (MANE Select); coding-DNA position 8500, A replaced by G.
Protein change: p.Ile2834Val; replaces isoleucine 2834 with valine.
Molecular consequence: missense variant.
Genome position (GRCh38, 1-based): chr4:150,265,781, T>C on the plus strand (A>G on the coding strand, the complement: LRBA is on the minus strand). VCF-style: chr4-150265781-T-C. GRCh37 (hg19) VCF-style: chr4-151186933-T-C.
Other names: c.8497A>G, p.Ile2833Val (NM_001199282.3); c.8515A>G, p.Ile2839Val (NM_001367550.1); c.8533A>G, p.Ile2845Val (NM_006726.5); short protein forms I2839V, I2845V, I2833V, I2834V.
Identifiers: ClinVar variation 1957084 (VCV001957084.5), dbSNP rs2531142167, ClinGen allele CA358436797.